The following is an entry in ClinVar:

NM_000545.8(HNF1A):c.1593C>T (p.Ser531=)

Gene: HNF1A (HNF1 homeobox A; plus strand). Cytogenetic location: 12q24.31.
Variant type: single nucleotide variant.
Coding change: c.1593C>T on transcript NM_000545.8 (MANE Select); coding-DNA position 1593, C replaced by T.
Protein change: p.Ser531=; no amino-acid change (serine 531 retained).
Molecular consequence: synonymous variant.
Genome position (GRCh38, 1-based): chr12:120,999,359, C>T. VCF-style: chr12-120999359-C-T. GRCh37 (hg19) VCF-style: chr12-121437162-C-T.
Other names: c.1593C>T, p.Ser531= (NM_001306179.2).
Identifiers: ClinVar variation 447483 (VCV000447483.17), dbSNP rs370300688, ClinGen allele CA6832116.

ClinVar aggregate classification (germline): Benign/Likely benign. Review status: criteria provided, multiple submitters, no conflicts (2 of 4 stars). 7 submissions from 7 submitters: Benign (2); Likely benign (5). Last evaluated 2026-01-28.

Conditions:
Maturity-onset diabetes of the young (MODY). Also called: Maturity onset diabetes mellitus in young. Identifiers: Orphanet 552, MedGen C0342276, MONDO:0018911, HP:0004904.

Allele frequency attached by ClinVar (database versions not stated): ExAC 0.00003; gnomAD exomes 0.00004 and 0.00007; TOPMed 0.00007; ESP Exome Variant Server 0.00008; gnomAD 0.00008; 1000 Genomes Project 30x 0.00016; 1000 Genomes Project 0.00020.
gnomAD v4.1: 113 of 1,614,078 alleles (0.007%); highest among the groups gnomAD compares: East Asian, 0.016%; no homozygotes.

Submissions (7):

Labcorp Genetics (formerly Invitae), Labcorp
Classification: Likely benign. Last evaluated: 2026-01-28. Review status: criteria provided, single submitter. Criteria: Invitae Variant Classification Sherloc (09022015). Collection method: clinical testing. Allele origin: germline.

Women's Health and Genetics/Laboratory Corporation of America, LabCorp
Classification: Benign. Last evaluated: 2025-05-28. Review status: criteria provided, single submitter. Criteria: LabCorp Variant Classification Summary - May 2015. Collection method: clinical testing. Allele origin: germline.

Blueprint Genetics
Classification: Likely benign. Last evaluated: 2024-08-09. Review status: criteria provided, single submitter. Criteria: ACMG Guidelines, 2015. Collection method: clinical testing. Allele origin: germline.

Ambry Genetics
Classification: Likely benign for Maturity-onset diabetes of the young. Last evaluated: 2024-05-06. Review status: criteria provided, single submitter. Criteria: Ambry Variant Classification Scheme 2023. Collection method: clinical testing. Allele origin: germline.

Genetic Services Laboratory, University of Chicago
Classification: Likely benign. Last evaluated: 2021-01-21. Review status: criteria provided, single submitter. Criteria: ACMG Guidelines, 2015. Collection method: clinical testing. Allele origin: germline. Affected: no.

Athena Diagnostics
Classification: Likely benign. Last evaluated: 2016-12-29. Review status: criteria provided, single submitter. Criteria: Athena Diagnostics Criteria. Collection method: clinical testing. Allele origin: germline.

Clinical Genomics, Uppaluri K&H Personalized Medicine Clinic
Classification: Benign for Maturity-onset diabetes of the young. Review status: criteria provided, single submitter. Criteria: K & H Uppaluri Personalized Medicine Clinic Variant Classification & Assertion Criteria_Updated V.1. Collection method: research. Allele origin: unknown. Inheritance: Autosomal dominant inheritance.
Comment: Mutations in HNF1A gene can predispose to MODY3. It is associated with both micro and macrovascular complications of diabetes, especially cardiovascular complications. Associated with glucosuria. May respond well to sulfonylureas. However, more evidence is required to confer the association of this particular variant rs370300688 with MODY3.

Literature cited by the submitters: PubMed 10588527 (cited by Women's Health and Genetics/Laboratory Corporation of America, LabCorp and Athena Diagnostics); PubMed 23348805 (cited by Athena Diagnostics); PubMed 31517624 (cited by Clinical Genomics, Uppaluri K&H Personalized Medicine Clinic); PubMed 32395877 (cited by Clinical Genomics, Uppaluri K&H Personalized Medicine Clinic); PubMed 35328643 (cited by Clinical Genomics, Uppaluri K&H Personalized Medicine Clinic); PubMed 35673428 (cited by Clinical Genomics, Uppaluri K&H Personalized Medicine Clinic).